The following is an entry in ClinVar:

ClinVar aggregate classification (germline): Uncertain significance (1 of 4 stars; one submission).

gnomAD v4.1: 1 of 1,561,262 alleles (0.000064%); highest among the groups gnomAD compares: East Asian, 0.0023%; no homozygotes.

Submission:

Labcorp Genetics (formerly Invitae), Labcorp
Classification: Uncertain significance. Last evaluated: 2025-04-09. Review status: criteria provided, single submitter. Criteria: Invitae Variant Classification Sherloc (09022015). Collection method: clinical testing. Allele origin: germline.
Comment: This sequence change replaces glycine, which is neutral and non-polar, with arginine, which is basic and polar, at codon 332 of the PLEKHG2 protein (p.Gly332Arg). This variant is not present in population databases (gnomAD no frequency). This variant has not been reported in the literature in individuals affected with PLEKHG2-related conditions. An algorithm developed to predict the effect of missense changes on protein structure and function outputs the following: PolyPhen-2: "Benign". The arginine amino acid residue is found in multiple mammalian species, which suggests that this missense change does not adversely affect protein function. In summary, the available evidence is currently insufficient to determine the role of this variant in disease. Therefore, it has been classified as a Variant of Uncertain Significance.

NM_022835.3(PLEKHG2):c.994G>C (p.Gly332Arg)

Gene: PLEKHG2 (pleckstrin homology and RhoGEF domain containing G2; plus strand). Cytogenetic location: 19q13.2.
Variant type: single nucleotide variant.
Coding change: c.994G>C on transcript NM_022835.3 (MANE Select); coding-DNA position 994, G replaced by C.
Protein change: p.Gly332Arg; replaces glycine 332 with arginine.
Molecular consequence: missense variant.
Genome position (GRCh38, 1-based): chr19:39,418,016, G>C. VCF-style: chr19-39418016-G-C. GRCh37 (hg19) VCF-style: chr19-39908656-G-C.
Other names: c.817G>C, p.Gly273Arg (NM_001351693.2); c.994G>C, p.Gly332Arg (NM_001351694.2); short protein forms G332R, G273R.
Identifiers: ClinVar variation 4779429 (VCV004779429.1).